The following is an entry in ClinVar:

NM_018671.5(UNC45A):c.2578A>T (p.Thr860Ser)

Genes: RCCD1-AS1 (RCCD1 and UNC45A antisense RNA 1; minus strand), UNC45A (unc-45 myosin chaperone A; plus strand). Cytogenetic location: 15q26.1.
Variant type: single nucleotide variant.
Coding change: c.2578A>T on transcript NM_018671.5 (MANE Select); coding-DNA position 2578, A replaced by T.
Protein change: p.Thr860Ser; replaces threonine 860 with serine.
Molecular consequence: missense variant.
Genome position (GRCh38, 1-based): chr15:90,953,459, A>T. VCF-style: chr15-90953459-A-T. GRCh37 (hg19) VCF-style: chr15-91496689-A-T.
Other names: c.2533A>T, p.Thr845Ser (NM_001039675.2, NM_001323621.2); c.2578A>T, p.Thr860Ser (NM_001323619.1); c.2143A>T, p.Thr715Ser (NM_001323620.2); c.2578A>T (NM_018671.3); short protein forms T860S, T715S, T845S.
Identifiers: ClinVar variation 2088403 (VCV002088403.2), dbSNP rs747531829, ClinGen allele CA7743357.

ClinVar aggregate classification (germline): Uncertain significance. Review status: criteria provided, multiple submitters, no conflicts (2 of 4 stars). 2 submissions from 2 submitters: Uncertain significance (2). Last evaluated 2024-01-29.

Conditions:
Inborn genetic diseases. Identifiers: MedGen C0950123, MeSH D030342.

Allele frequency attached by ClinVar (database versions not stated): ExAC 0.00001; gnomAD 0.00001; gnomAD exomes 0.00001; TOPMed 0.00001.
gnomAD v4.1: 4 of 1,613,206 alleles (0.00025%); highest among the groups gnomAD compares: East Asian, 0.0089%; no homozygotes.

Submissions (2):

Ambry Genetics
Classification: Uncertain significance for Inborn genetic diseases. Last evaluated: 2024-01-29. Review status: criteria provided, single submitter. Criteria: Ambry Variant Classification Scheme 2023. Collection method: clinical testing. Allele origin: germline.

Labcorp Genetics (formerly Invitae), Labcorp
Classification: Uncertain significance. Last evaluated: 2022-03-04. Review status: criteria provided, single submitter. Criteria: Invitae Variant Classification Sherloc (09022015). Collection method: clinical testing. Allele origin: germline.
Comment: This sequence change replaces threonine, which is neutral and polar, with serine, which is neutral and polar, at codon 860 of the UNC45A protein (p.Thr860Ser). This variant is present in population databases (rs747531829, gnomAD 0.02%). This variant has not been reported in the literature in individuals affected with UNC45A-related conditions. Algorithms developed to predict the effect of missense changes on protein structure and function are either unavailable or do not agree on the potential impact of this missense change (SIFT: "Not Available"; PolyPhen-2: "Benign"; Align-GVGD: "Not Available"). In summary, the available evidence is currently insufficient to determine the role of this variant in disease. Therefore, it has been classified as a Variant of Uncertain Significance.